The following is an entry in ClinVar:

NM_020207.7(ERCC6L2):c.1391C>T (p.Ala464Val)

Gene: ERCC6L2 (ERCC excision repair 6 like 2; plus strand). Cytogenetic location: 9q22.32.
Variant type: single nucleotide variant.
Coding change: c.1391C>T on transcript NM_020207.7 (MANE Select); coding-DNA position 1391, C replaced by T.
Protein change: p.Ala464Val; replaces alanine 464 with valine.
Molecular consequence: missense variant. On other transcripts: non-coding transcript variant (1).
Genome position (GRCh38, 1-based): chr9:95,922,396, C>T. VCF-style: chr9-95922396-C-T. GRCh37 (hg19) VCF-style: chr9-98684678-C-T.
Other names: c.1424C>T (NM_001010895.2); c.1391C>T, p.Ala464Val (NM_001010895.4, NM_001375291.1, NM_001375292.1 and 2 more transcripts); short protein forms A464V.
Identifiers: ClinVar variation 2191466 (VCV002191466.5), dbSNP rs919368597, ClinGen allele CA196575105.
Genomic context (GRCh38, chr9:95,922,396, plus strand): 5'-TGTATCTCAGTTACCTTACAGTCCTTCAGAAGGTAGCTAACCATGTCGCGCTACTGCAAG[C>T]TGCTAGTACTTCCAAACAACAGGTTTGGTTAGCATTTTACATTTCTTTGTGATGCTATTG-3'
Protein context (NP_064592.3, residues 454-474): KVANHVALLQ[Ala464Val]ASTSKQQETL

ClinVar aggregate classification (germline): Uncertain significance. Review status: criteria provided, multiple submitters, no conflicts (2 of 4 stars). 2 submissions from 2 submitters: Uncertain significance (2). Last evaluated 2024-12-21.

Conditions:
Inborn genetic diseases. Identifiers: MedGen C0950123, MeSH D030342.

Allele frequency attached by ClinVar (database versions not stated): gnomAD 0.00001; TOPMed 0.00001.
gnomAD v4.1: 12 of 1,609,062 alleles (0.00075%); highest among the groups gnomAD compares: African/African-American, 0.0013%; no homozygotes.

Submissions (2):

Labcorp Genetics (formerly Invitae), Labcorp
Classification: Uncertain significance. Last evaluated: 2024-12-21. Review status: criteria provided, single submitter. Criteria: Invitae Variant Classification Sherloc (09022015). Collection method: clinical testing. Allele origin: germline.
Comment: This sequence change replaces alanine, which is neutral and non-polar, with valine, which is neutral and non-polar, at codon 475 of the ERCC6L2 protein (p.Ala475Val). This variant is present in population databases (no rsID available, gnomAD 0.0009%). This variant has not been reported in the literature in individuals affected with ERCC6L2-related conditions. ClinVar contains an entry for this variant (Variation ID: 2191466). An algorithm developed to predict the effect of missense changes on protein structure and function outputs the following: PolyPhen-2: "Not Available". The valine amino acid residue is found in multiple mammalian species, which suggests that this missense change does not adversely affect protein function. In summary, the available evidence is currently insufficient to determine the role of this variant in disease. Therefore, it has been classified as a Variant of Uncertain Significance.

Ambry Genetics
Classification: Uncertain significance for Inborn genetic diseases. Last evaluated: 2022-09-26. Review status: criteria provided, single submitter. Criteria: Ambry Variant Classification Scheme 2023. Collection method: clinical testing. Allele origin: germline.